The following is an entry in ClinVar:

NM_001166108.2(PALLD):c.2057G>T (p.Arg686Leu)

Gene: PALLD (palladin, cytoskeletal associated protein; plus strand). Cytogenetic location: 4q32.3.
Variant type: single nucleotide variant.
Coding change: c.2057G>T on transcript NM_001166108.2 (MANE Select); coding-DNA position 2057, G replaced by T.
Protein change: p.Arg686Leu; replaces arginine 686 with leucine.
Molecular consequence: missense variant. On other transcripts: 5 prime UTR variant (4).
Genome position (GRCh38, 1-based): chr4:168,891,014, G>T. VCF-style: chr4-168891014-G-T. GRCh37 (hg19) VCF-style: chr4-169812165-G-T.
Other names: c.911G>T, p.Arg304Leu (NM_001166109.2); c.596G>T, p.Arg199Leu (NM_001166110.2); c.-65G>T (NM_001367567.1, NM_001367568.1, NM_001367569.1 and 1 more transcripts); c.2057G>T, p.Arg686Leu (NM_016081.4); short protein forms R199L, R304L, R686L.
Identifiers: ClinVar variation 3413569 (VCV003413569.1).
Genomic context (GRCh38, chr4:168,891,014, plus strand): 5'-GAATAGCCTCCGATGAGGAAATTCAAGGCACAAAGGATGCTGTTATTCAAGACCTGGAAC[G>T]AAAACTTCGCTTCAAGGAGGACCTCCTGAACAATGGCCAGCCGGTACTGATAGATTTGGG-3'
Protein context (NP_001159580.1, residues 676-696): TKDAVIQDLE[Arg686Leu]KLRFKEDLLN

ClinVar aggregate classification (germline): Uncertain significance (1 of 4 stars; one submission).

Submission:

Ambry Genetics
Classification: Uncertain significance. Last evaluated: 2024-06-30. Review status: criteria provided, single submitter. Criteria: Ambry Variant Classification Scheme 2023. Collection method: clinical testing. Allele origin: germline.
Comment: The p.R686L variant (also known as c.2057G>T), located in coding exon 10 of the PALLD gene, results from a G to T substitution at nucleotide position 2057. The arginine at codon 686 is replaced by leucine, an amino acid with dissimilar properties. This amino acid position is conserved. In addition, the in silico prediction for this alteration is inconclusive. Based on the available evidence, the clinical significance of this variant remains unclear.